The following is an entry in ClinVar:

NM_001079843.3(CASZ1):c.5204C>T (p.Ala1735Val)

Gene: CASZ1 (castor zinc finger 1; minus strand). Cytogenetic location: 1p36.22.
Variant type: single nucleotide variant.
Coding change: c.5204C>T on transcript NM_001079843.3 (MANE Select); coding-DNA position 5204, C replaced by T.
Protein change: p.Ala1735Val; replaces alanine 1735 with valine.
Molecular consequence: missense variant.
Genome position (GRCh38, 1-based): chr1:10,639,018, G>A on the plus strand (C>T on the coding strand, the complement: CASZ1 is on the minus strand). VCF-style: chr1-10639018-G-A. GRCh37 (hg19) VCF-style: chr1-10699075-G-A.
Other names: short protein forms A1735V.
Identifiers: ClinVar variation 3605977 (VCV003605977.2).

ClinVar aggregate classification (germline): Uncertain significance (1 of 4 stars; one submission).

gnomAD v4.1: 6 of 1,003,106 alleles (0.0006%); highest among the groups gnomAD compares: African/African-American, 0.0018%; no homozygotes.

Submission:

Labcorp Genetics (formerly Invitae), Labcorp
Classification: Uncertain significance. Last evaluated: 2024-10-04. Review status: criteria provided, single submitter. Criteria: Invitae Variant Classification Sherloc (09022015). Collection method: clinical testing. Allele origin: germline.
Comment: This sequence change replaces alanine, which is neutral and non-polar, with valine, which is neutral and non-polar, at codon 1735 of the CASZ1 protein (p.Ala1735Val). The frequency data for this variant in the population databases is considered unreliable, as metrics indicate poor data quality at this position in the gnomAD database. This variant has not been reported in the literature in individuals affected with CASZ1-related conditions. Experimental studies and prediction algorithms are not available or were not evaluated, and the functional significance of this variant is currently unknown. In summary, the available evidence is currently insufficient to determine the role of this variant in disease. Therefore, it has been classified as a Variant of Uncertain Significance.